The following is an entry in ClinVar:

ClinVar aggregate classification (germline): Likely pathogenic (1 of 4 stars; one submission).

Conditions:
Spongy degeneration of central nervous system. Also called: ACY2 DEFICIENCY; AMINOACYLASE 2 DEFICIENCY; ASP DEFICIENCY; ASPA DEFICIENCY; ASPARTOACYLASE DEFICIENCY; CANAVAN-VAN BOGAERT-BERTRAND DISEASE. Identifiers: Orphanet 141, MedGen C0206307, MONDO:0010079, OMIM 271900.

Submission:

Natera, Inc.
Classification: Likely pathogenic for Canavan Disease. Last evaluated: 2024-04-25. Review status: criteria provided, single submitter. Criteria: Natera Variant Classification Schema (03/2026). Collection method: clinical testing. Allele origin: germline.
Comment: The c.497C>T variant in ASPA is a missense variant predicted to cause substitution of threonine to isoleucine at amino acid 166. This variant is rare in the general population with a frequency below the threshold expected for the associated phenotype(s). This variant has been observed in one or more individuals affected with the associated recessive disease, as either homozygous or compound heterozygous with a second variant (PMID: 30293248, 16854607). This variant has been identified in one or more affected individuals with a phenotype highly consistent with the associated gene (PMID: 30293248). Computational prediction algorithms indicate this variant is likely to affect gene or protein function. Given the available evidence, this variant is classified as Likely Pathogenic.

Literature cited by the submitters: PubMed 30293248; PubMed 16854607.

NM_000049.4(ASPA):c.497C>T (p.Thr166Ile)

Genes: SPATA22 (spermatogenesis associated 22; minus strand), ASPA (aspartoacylase; plus strand). Cytogenetic location: 17p13.2.
Variant type: single nucleotide variant.
Coding change: c.497C>T on transcript NM_000049.4 (MANE Select); coding-DNA position 497, C replaced by T.
Protein change: p.Thr166Ile; replaces threonine 166 with isoleucine.
Molecular consequence: missense variant. On other transcripts: intron variant (2).
Genome position (GRCh38, 1-based): chr17:3,483,563, C>T. VCF-style: chr17-3483563-C-T. GRCh37 (hg19) VCF-style: chr17-3386857-C-T.
Other names: c.497C>T, p.Thr166Ile (NM_001128085.1); c.-73-14165G>A (NM_001321336.2, NM_001321337.2); short protein forms T166I.
Identifiers: ClinVar variation 4818450 (VCV004818450.1).